The following is an entry in ClinVar:

NM_001122955.4(BSCL2):c.1233T>C (p.Asp411=)

Genes: HNRNPUL2-BSCL2 (HNRNPUL2-BSCL2 readthrough (NMD candidate); minus strand), BSCL2 (BSCL2 lipid droplet biogenesis associated, seipin; minus strand). Cytogenetic location: 11q12.3.
Variant type: single nucleotide variant.
Coding change: c.1233T>C on transcript NM_001122955.4 (MANE Select); coding-DNA position 1233, T replaced by C.
Protein change: p.Asp411=; no amino-acid change (aspartic acid 411 retained).
Molecular consequence: synonymous variant. On other transcripts: non-coding transcript variant (1), 3 prime UTR variant (1).
Genome position (GRCh38, 1-based): chr11:62,690,613, A>G on the plus strand (T>C on the coding strand, the complement: BSCL2 is on the minus strand). VCF-style: chr11-62690613-A-G. GRCh37 (hg19) VCF-style: chr11-62458085-A-G.
Other names: c.*35T>C (NM_001130702.2); c.1239T>C, p.Asp413= (NM_001386027.1); c.1233T>C, p.Asp411= (NM_001386028.1); c.1041T>C, p.Asp347= (NM_032667.6).
Identifiers: ClinVar variation 2775664 (VCV002775664.3), dbSNP rs2539143537, ClinGen allele CA475134314.

ClinVar aggregate classification (germline): Uncertain significance (1 of 4 stars; one submission).

Conditions:
Charcot-Marie-Tooth disease type 2. Also called: Charcot-Marie-Tooth type 2. Identifiers: Orphanet 64746, MedGen C0270914, MONDO:0018993.

Allele frequency attached by ClinVar (database versions not stated): gnomAD exomes below 0.00001.
gnomAD v4.1: 1 of 1,614,022 alleles (0.000062%); highest among the groups gnomAD compares: Non-Finnish European, 0.000085%; no homozygotes.

Submission:

Labcorp Genetics (formerly Invitae), Labcorp
Classification: Uncertain significance for Charcot-Marie-Tooth disease type 2. Last evaluated: 2024-06-29. Review status: criteria provided, single submitter. Criteria: Invitae Variant Classification Sherloc (09022015). Collection method: clinical testing. Allele origin: germline.
Comment: This sequence change affects codon 347 of the BSCL2 mRNA. It is a 'silent' change, meaning that it does not change the encoded amino acid sequence of the BSCL2 protein. It affects a nucleotide within the consensus splice site. This variant is not present in population databases (gnomAD no frequency). This variant has not been reported in the literature in individuals affected with BSCL2-related conditions. Algorithms developed to predict the effect of sequence changes on RNA splicing suggest that this variant is not likely to affect RNA splicing. In summary, the available evidence is currently insufficient to determine the role of this variant in disease. Therefore, it has been classified as a Variant of Uncertain Significance.